The following is an entry in ClinVar:

NM_022788.5(P2RY12):c.352A>T (p.Ile118Leu)

Genes: MED12L (mediator complex subunit 12L; plus strand), P2RY12 (purinergic receptor P2Y12; minus strand). Cytogenetic location: 3q25.1.
Variant type: single nucleotide variant.
Coding change: c.352A>T on transcript NM_022788.5 (MANE Select); coding-DNA position 352, A replaced by T.
Protein change: p.Ile118Leu; replaces isoleucine 118 with leucine.
Molecular consequence: missense variant. On other transcripts: intron variant (2).
Genome position (GRCh38, 1-based): chr3:151,338,494, T>A on the plus strand (A>T on the coding strand, the complement: P2RY12 is on the minus strand). VCF-style: chr3-151338494-T-A. GRCh37 (hg19) VCF-style: chr3-151056282-T-A.
Other names: c.352A>T, p.Ile118Leu (NM_176876.3); c.2251-11565T>A (NM_001393769.1); c.2146-11565T>A (NM_053002.6); short protein forms I118L.
Identifiers: ClinVar variation 2701346 (VCV002701346.3), dbSNP rs375376556, ClinGen allele CA354982230.

ClinVar aggregate classification (germline): Uncertain significance (1 of 4 stars; one submission).

Submission:

Labcorp Genetics (formerly Invitae), Labcorp
Classification: Uncertain significance. Last evaluated: 2023-12-07. Review status: criteria provided, single submitter. Criteria: Invitae Variant Classification Sherloc (09022015). Collection method: clinical testing. Allele origin: germline.
Comment: This sequence change replaces isoleucine, which is neutral and non-polar, with leucine, which is neutral and non-polar, at codon 118 of the P2RY12 protein (p.Ile118Leu). This variant is not present in population databases (gnomAD no frequency). This variant has not been reported in the literature in individuals affected with P2RY12-related conditions. An algorithm developed to predict the effect of missense changes on protein structure and function (PolyPhen-2) suggests that this variant is likely to be disruptive. In summary, the available evidence is currently insufficient to determine the role of this variant in disease. Therefore, it has been classified as a Variant of Uncertain Significance.